The following is an entry in ClinVar:

ClinVar aggregate classification (germline): Likely benign. Review status: criteria provided, single submitter (1 of 4 stars). 2 submissions from 2 submitters: Likely benign (1). 1 of the submissions does not count toward it. Last evaluated 2024-10-01.

Conditions:
E2F1-related disorder. Also called: E2F1-related condition.

Allele frequency attached by ClinVar (database versions not stated): 1000 Genomes Project 30x 0.00031; 1000 Genomes Project 0.00040; gnomAD 0.00042; TOPMed 0.00042; ESP Exome Variant Server 0.00077; ExAC 0.00113.
gnomAD v4.1: 960 of 1,582,378 alleles (0.061%); highest among the groups gnomAD compares: Non-Finnish European, 0.077%; 2 homozygotes.

Submissions (2):

CeGaT Center for Human Genetics Tuebingen
Classification: Likely benign. Last evaluated: 2024-10-01. Review status: criteria provided, single submitter. Criteria: CeGaT Center For Human Genetics Tuebingen Variant Classification Criteria Version 2. Collection method: clinical testing. Allele origin: germline. Affected: yes. Observed: 1 variant allele.
Comment: E2F1: BP4, BP7

PreventionGenetics, part of Exact Sciences
Classification: Likely benign for E2F1-related condition. Last evaluated: 2019-06-14. Review status: no assertion criteria provided. Collection method: clinical testing. Allele origin: germline. Not counted in ClinVar's aggregate classification.
Comment: This variant is classified as likely benign based on ACMG/AMP sequence variant interpretation guidelines (Richards et al. 2015 PMID: 25741868, with internal and published modifications).

NM_005225.3(E2F1):c.1176C>T (p.Ser392=)

Gene: E2F1 (E2F transcription factor 1; minus strand). Cytogenetic location: 20q11.22.
Variant type: single nucleotide variant.
Coding change: c.1176C>T on transcript NM_005225.3 (MANE Select); coding-DNA position 1176, C replaced by T.
Protein change: p.Ser392=; no amino-acid change (serine 392 retained).
Molecular consequence: synonymous variant.
Genome position (GRCh38, 1-based): chr20:33,676,870, G>A on the plus strand (C>T on the coding strand, the complement: E2F1 is on the minus strand). VCF-style: chr20-33676870-G-A. GRCh37 (hg19) VCF-style: chr20-32264676-G-A.
Identifiers: ClinVar variation 3033085 (VCV003033085.16), dbSNP rs142009843, ClinGen allele CA9818554.
Genomic context (GRCh38, chr20:33,676,870, plus strand): 5'-GTGGTAGTCGAGGGCCTCGTGGGGTGGGGAAAGGCTGATGAACTCCTCAGGGAGGAGGCC[G>A]GAGAAGTCCTCCCGCACATGCTCCAGGAGCGAGTCGGCCGCCACCAGCGGGGACAGGCGG-3'
Protein context (NP_005216.1, residues 382-402): SLLEHVREDF[Ser392=]GLLPEEFISL